The following is an entry in ClinVar:

ClinVar aggregate classification (germline): Benign. Review status: criteria provided, multiple submitters, no conflicts (2 of 4 stars). 2 submissions from 2 submitters: Benign (2). Last evaluated 2018-06-14.

Allele frequency attached by ClinVar (database versions not stated): ESP Exome Variant Server 0.92536; TOPMed 0.93124; gnomAD 0.93277 and 0.93602; 1000 Genomes Project 30x 0.93973; 1000 Genomes Project 0.94309; ExAC 0.95938; gnomAD exomes 0.96075 and 0.96572.
gnomAD v4.1: 1,543,694 of 1,603,626 alleles (96%); highest among the groups gnomAD compares: East Asian, 100%; 743,690 homozygotes.

Submissions (2):

GeneDx
Classification: Benign. Last evaluated: 2018-06-14. Review status: criteria provided, single submitter. Criteria: GeneDx Variant Classification (06012015). Collection method: clinical testing. Allele origin: germline. Affected: yes.
Comment: This variant is considered likely benign or benign based on one or more of the following criteria: it is a conservative change, it occurs at a poorly conserved position in the protein, it is predicted to be benign by multiple in silico algorithms, and/or has population frequency not consistent with disease.

Breakthrough Genomics
Classification: Benign. Review status: criteria provided, single submitter. Criteria: ACMG Guidelines, 2015. Collection method: not provided. Allele origin: germline. Inheritance: Autosomal recessive inheritance. Affected: yes.

NM_001854.4(COL11A1):c.780+52C>A

Gene: COL11A1 (collagen type XI alpha 1 chain; minus strand). Cytogenetic location: 1p21.1.
Variant type: single nucleotide variant.
Coding change: c.780+52C>A on transcript NM_001854.4 (MANE Select); 52 bases into the intron after coding-DNA position 780, C replaced by A.
Molecular consequence: intron variant.
Genome position (GRCh38, 1-based): chr1:103,031,064, G>T on the plus strand (C>A on the coding strand, the complement: COL11A1 is on the minus strand). VCF-style: chr1-103031064-G-T. GRCh37 (hg19) VCF-style: chr1-103496620-G-T.
Other names: c.780+52C>A (NM_001190709.2, NM_080629.3, NM_080630.4).
Identifiers: ClinVar variation 674749 (VCV000674749.2), dbSNP rs7523441, ClinGen allele CA975323.